The following is an entry in ClinVar:

NM_001399.5(EDA):c.543_569del (p.Asn185_Pro193del)

Gene: EDA (ectodysplasin A; plus strand). Cytogenetic location: Xq13.1.
Variant type: Deletion.
Coding change: c.543_569del on transcript NM_001399.5 (MANE Select); coding-DNA positions 543 to 569, 27 bases deleted (TCCTGGACCCAATGGCCCTCCAGGACC).
Protein change: p.Asn185_Pro193del.
Molecular consequence: inframe deletion.
Genome position (GRCh38, 1-based): chrX:70,027,873-70,027,899, TCCTGGACCCAATGGCCCTCCAGGACC deleted; deleting any 27 consecutive bases within chrX:70,027,866-70,027,899 gives the same sequence; the c. name uses the placement nearest the transcript's 3' end. VCF-style (leftmost placement, unchanged base first): chrX-70027865-GCAGGACCTCCTGGACCCAATGGCCCTC-G. GRCh37 (hg19) VCF-style: chrX-69247715-GCAGGACCTCCTGGACCCAATGGCCCTC-G.
Other names: c.543_569del, p.Asn185_Pro193del (NM_001005609.2, NM_001005612.3).
Identifiers: ClinVar variation 2701189 (VCV002701189.3), dbSNP rs2520334457, ClinGen allele CA2697553198.

ClinVar aggregate classification (germline): Pathogenic (1 of 4 stars; one submission).

Conditions:
Hypohidrotic X-linked ectodermal dysplasia (XHED). Also called: Christ Siemens Touraine syndrome; Anhidrotic ectodermal dysplasia X-linked; ECTODERMAL DYSPLASIA, HYPOHIDROTIC, 1; CST SYNDROME; Ectodermal Dysplasia 1, Anhidrotic; ECTODERMAL DYSPLASIA 1. Identifiers: Orphanet 181, Orphanet 238468, MedGen C0162359, MONDO:0010585, OMIM 305100.

Submission:

Labcorp Genetics (formerly Invitae), Labcorp
Classification: Pathogenic for Hypohidrotic X-linked ectodermal dysplasia. Last evaluated: 2023-12-05. Review status: criteria provided, single submitter. Criteria: Invitae Variant Classification Sherloc (09022015). Collection method: clinical testing. Allele origin: germline.
Comment: This variant, c.543_569del, results in the deletion of 9 amino acid(s) of the EDA protein (p.Asn185_Pro193del), but otherwise preserves the integrity of the reading frame. This variant is not present in population databases (gnomAD no frequency). This variant has been observed in individuals with clinical features of EDA-related conditions (Invitae). It has also been observed to segregate with disease in related individuals. This variant disrupts a region of the EDA protein in which other variant(s) (p.Gly189Arg) have been determined to be pathogenic (Invitae). This suggests that this is a clinically significant region of the protein, and that variants that disrupt it are likely to be disease-causing. For these reasons, this variant has been classified as Pathogenic.